The following is an entry in ClinVar:

ClinVar aggregate classification (germline): Uncertain significance (1 of 4 stars; one submission).

Conditions:
Hereditary cancer-predisposing syndrome. Also called: Hereditary Cancer Syndrome; Hereditary neoplastic syndrome; Neoplastic Syndromes, Hereditary; Tumor predisposition. Identifiers: Orphanet 140162, MedGen C0027672, MeSH D009386, MONDO:0015356.

gnomAD v4.1: 3 of 1,490,942 alleles (0.0002%); highest among the groups gnomAD compares: Middle Eastern, 0.056%; no homozygotes.

Submission:

Ambry Genetics
Classification: Uncertain significance for Hereditary cancer-predisposing syndrome. Last evaluated: 2025-05-11. Review status: criteria provided, single submitter. Criteria: Ambry Variant Classification Scheme 2023. Collection method: clinical testing. Allele origin: germline.
Comment: The p.K14Q variant (also known as c.40A>C), located in coding exon 2 of the MRE11A gene, results from an A to C substitution at nucleotide position 40. The lysine at codon 14 is replaced by glutamine, an amino acid with similar properties. This amino acid position is conserved. In addition, this alteration is predicted to be deleterious by in silico analysis. Based on the available evidence, the clinical significance of this variant remains unclear.

NM_005591.4(MRE11):c.40A>C (p.Lys14Gln)

Gene: MRE11 (MRE11 double strand break repair nuclease; minus strand). Cytogenetic location: 11q21.
Variant type: single nucleotide variant.
Coding change: c.40A>C on transcript NM_005591.4 (MANE Select); coding-DNA position 40, A replaced by C.
Protein change: p.Lys14Gln; replaces lysine 14 with glutamine.
Molecular consequence: missense variant.
Genome position (GRCh38, 1-based): chr11:94,490,946, T>G on the plus strand (A>C on the coding strand, the complement: MRE11 is on the minus strand). VCF-style: chr11-94490946-T-G. GRCh37 (hg19) VCF-style: chr11-94224112-T-G.
Other names: c.40A>C, p.Lys14Gln (NM_001330347.2, NM_005590.4); short protein forms K14Q.
Identifiers: ClinVar variation 3912883 (VCV003912883.1).